The following is an entry in ClinVar:

NM_006279.5(ST3GAL3):c.1018C>T (p.Arg340Cys)

Gene: ST3GAL3 (ST3 beta-galactoside alpha-2,3-sialyltransferase 3; plus strand). Cytogenetic location: 1p34.1.
Variant type: single nucleotide variant.
Coding change: c.1018C>T on transcript NM_006279.5 (MANE Select); coding-DNA position 1018, C replaced by T.
Protein change: p.Arg340Cys; replaces arginine 340 with cysteine.
Molecular consequence: missense variant. On other transcripts: non-coding transcript variant (6), intron variant (11).
Genome position (GRCh38, 1-based): chr1:43,920,908, C>T. VCF-style: chr1-43920908-C-T. GRCh37 (hg19) VCF-style: chr1-44386580-C-T.
Other names: c.928C>T, p.Arg310Cys (NM_001270459.2); c.925C>T, p.Arg309Cys (NM_001270460.2); c.1063C>T, p.Arg355Cys (NM_001350619.2, NM_174964.4); c.1018C>T, p.Arg340Cys (NM_001350620.2); c.739C>T, p.Arg247Cys (NM_001350621.2); c.970C>T, p.Arg324Cys (NM_001410781.1, NM_174969.4); c.1225C>T, p.Arg409Cys (NM_174963.5); c.1180C>T, p.Arg394Cys (NM_174968.5); and 12 more; short protein forms R309C, R355C, R340C, R394C, R409C, R247C, R324C, R310C.
Identifiers: ClinVar variation 2194353 (VCV002194353.4), dbSNP rs1218848815, ClinGen allele CA340033142.

ClinVar aggregate classification (germline): Uncertain significance (1 of 4 stars; one submission).

Conditions:
Early-infantile DEE. Also called: Early infantile epileptic encephalopathy; Ohtahara syndrome; Early infantile epileptic encephalopathy with suppression bursts. Identifiers: Orphanet 1934, MedGen C0393706, MONDO:0800491.

gnomAD v4.1: 2 of 1,613,442 alleles (0.00012%); highest among the groups gnomAD compares: South Asian, 0.0011%; no homozygotes.

Submission:

Labcorp Genetics (formerly Invitae), Labcorp
Classification: Uncertain significance for Early-infantile DEE. Last evaluated: 2022-07-18. Review status: criteria provided, single submitter. Criteria: Invitae Variant Classification Sherloc (09022015). Collection method: clinical testing. Allele origin: germline.
Comment: In summary, the available evidence is currently insufficient to determine the role of this variant in disease. Therefore, it has been classified as a Variant of Uncertain Significance. Algorithms developed to predict the effect of missense changes on protein structure and function are either unavailable or do not agree on the potential impact of this missense change (SIFT: "Deleterious"; PolyPhen-2: "Possibly Damaging"; Align-GVGD: "Class C0"). This sequence change replaces arginine, which is basic and polar, with cysteine, which is neutral and slightly polar, at codon 340 of the ST3GAL3 protein (p.Arg340Cys). This variant is not present in population databases (gnomAD no frequency). This variant has not been reported in the literature in individuals affected with ST3GAL3-related conditions.